The following is an entry in ClinVar:

ClinVar aggregate classification (germline): Uncertain significance (0 of 4 stars; one submission).

Conditions:
TTN-related disorder. Also called: TTN-related condition; TTN-related disease; TTN-related disorders.

gnomAD v4.1: 4 of 1,613,634 alleles (0.00025%); highest among the groups gnomAD compares: African/African-American, 0.004%; no homozygotes.

Submission:

PreventionGenetics, part of Exact Sciences
Classification: Uncertain significance for TTN-related condition. Last evaluated: 2024-05-16. Review status: no assertion criteria provided. Collection method: clinical testing. Allele origin: germline.
Comment: The TTN c.88403C>G variant is predicted to result in the amino acid substitution p.Pro29468Arg. To our knowledge, this variant has not been reported in the literature. This variant is reported in 0.0065% of alleles in individuals of African descent in gnomAD. At this time, the clinical significance of this variant is uncertain due to the absence of conclusive functional and genetic evidence.

NM_001267550.2(TTN):c.88403C>G (p.Pro29468Arg)

Genes: TTN (titin; minus strand), TTN-AS1 (TTN antisense RNA 1; plus strand). Cytogenetic location: 2q31.2.
Variant type: single nucleotide variant.
Coding change: c.88403C>G on transcript NM_001267550.2 (MANE Select); coding-DNA position 88403, C replaced by G.
Protein change: p.Pro29468Arg; replaces proline 29468 with arginine.
Molecular consequence: missense variant.
Genome position (GRCh38, 1-based): chr2:178,555,056, G>C on the plus strand (C>G on the coding strand, the complement: TTN is on the minus strand). VCF-style: chr2-178555056-G-C. GRCh37 (hg19) VCF-style: chr2-179419783-G-C.
Other names: c.83480C>G, p.Pro27827Arg (NM_001256850.1); c.61208C>G, p.Pro20403Arg (NM_003319.4); c.80699C>G, p.Pro26900Arg (NM_133378.4); c.61583C>G, p.Pro20528Arg (NM_133432.3); c.61784C>G, p.Pro20595Arg (NM_133437.4); short protein forms P20403R, P20528R, P20595R, P26900R, P27827R, P29468R.
Identifiers: ClinVar variation 3051892 (VCV003051892.2), dbSNP rs747441311, ClinGen allele CA349527804.